The following is an entry in ClinVar:

NM_021999.5(ITM2B):c.55G>A (p.Glu19Lys)

Genes: ITM2B (integral membrane protein 2B; plus strand), LOC130009751 (ATAC-STARR-seq lymphoblastoid silent region 5331; plus strand). Cytogenetic location: 13q14.2.
Variant type: single nucleotide variant.
Coding change: c.55G>A on transcript NM_021999.5 (MANE Select); coding-DNA position 55, G replaced by A.
Protein change: p.Glu19Lys; replaces glutamic acid 19 with lysine.
Molecular consequence: missense variant.
Genome position (GRCh38, 1-based): chr13:48,233,415, G>A. VCF-style: chr13-48233415-G-A. GRCh37 (hg19) VCF-style: chr13-48807551-G-A.
Other names: c.55G>A (NM_021999.4); short protein forms E19K.
Identifiers: ClinVar variation 1400286 (VCV001400286.7), dbSNP rs772385941, ClinGen allele CA6978673.

ClinVar aggregate classification (germline): Uncertain significance. Review status: criteria provided, multiple submitters, no conflicts (2 of 4 stars). 3 submissions from 3 submitters: Uncertain significance (3). Last evaluated 2025-12-29.

Allele frequency attached by ClinVar (database versions not stated): gnomAD exomes 0.00003; ExAC 0.00015.
gnomAD v4.1: 14 of 1,554,836 alleles (0.0009%); highest among the groups gnomAD compares: South Asian, 0.0012%; no homozygotes.

Submissions (3):

Labcorp Genetics (formerly Invitae), Labcorp
Classification: Uncertain significance. Last evaluated: 2025-12-29. Review status: criteria provided, single submitter. Criteria: Invitae Variant Classification Sherloc (09022015). Collection method: clinical testing. Allele origin: germline.
Comment: This sequence change replaces glutamic acid, which is acidic and polar, with lysine, which is basic and polar, at codon 19 of the ITM2B protein (p.Glu19Lys). The frequency data for this variant in the population databases is considered unreliable, as metrics indicate poor data quality at this position in the gnomAD database. This variant has not been reported in the literature in individuals affected with ITM2B-related conditions. ClinVar contains an entry for this variant (Variation ID: 1400286). An algorithm developed to predict the effect of missense changes on protein structure and function (PolyPhen-2) suggests that this variant is likely to be tolerated. In summary, the available evidence is currently insufficient to determine the role of this variant in disease. Therefore, it has been classified as a Variant of Uncertain Significance.

Women's Health and Genetics/Laboratory Corporation of America, LabCorp
Classification: Uncertain significance. Last evaluated: 2023-07-27. Review status: criteria provided, single submitter. Criteria: LabCorp Variant Classification Summary - May 2015. Collection method: clinical testing. Allele origin: germline.
Comment: Variant summary: ITM2B c.55G>A (p.Glu19Lys) results in a conservative amino acid change in the encoded protein sequence. Four of five in-silico tools predict a benign effect of the variant on protein function. The variant allele was found at a frequency of 3e-05 in 165076 control chromosomes (gnomAD). The available data on variant occurrences in the general population are insufficient to allow any conclusion about variant significance. To our knowledge, no occurrence of c.55G>A in individuals affected with ITM2B-Related Disorders and no experimental evidence demonstrating its impact on protein function have been reported. One submitter has cited clinical-significance assessments for this variant to ClinVar after 2014 and has classified the variant as uncertain significance. Based on the evidence outlined above, the variant was classified as uncertain significance.

Clinical Genetics Laboratory, Skane University Hospital Lund
Classification: Uncertain significance. Last evaluated: 2022-11-10. Review status: criteria provided, single submitter. Criteria: ACMG Guidelines, 2015. Collection method: clinical testing. Allele origin: germline. Affected: yes.